The following is an entry in ClinVar:

NM_194248.1:c.766-2T>A

Gene: OTOF (otoferlin; minus strand). Cytogenetic location: 2p23.3.
Variant type: single nucleotide variant.
Identifiers: ClinVar variation 65816 (VCV000065816.3).

ClinVar aggregate classification (germline): Pathogenic (0 of 4 stars; one submission).

Conditions:
Autosomal recessive nonsyndromic hearing loss 9. Also called: NEUROSENSORY NONSYNDROMIC RECESSIVE DEAFNESS 9; OTOF-Related Hearing Loss; AUDITORY NEUROPATHY, AUTOSOMAL RECESSIVE, 1, TEMPERATURE-SENSITIVE; Deafness, autosomal recessive 9. Identifiers: Orphanet 90636, MedGen C1832828, MONDO:0010986, OMIM 601071.

Submission:

GeneReviews
Classification: Pathogenic for OTOF-Related Deafness. Last evaluated: 2011-04-26. Review status: no assertion criteria provided. Collection method: curation. Allele origin: unknown.
ClinVar note: Converted during submission from pathologic to Pathogenic.